The following is an entry in ClinVar:

ClinVar aggregate classification (germline): Uncertain significance (1 of 4 stars; one submission).

Conditions:
PURA-related severe neonatal hypotonia-seizures-encephalopathy syndrome (NEDRIHF). Also called: NEURODEVELOPMENTAL DISORDER WITH NEONATAL RESPIRATORY INSUFFICIENCY, HYPOTONIA, AND FEEDING DIFFICULTIES; PURA-Related Neurodevelopmental Disorders. Identifiers: Orphanet 438213, Orphanet 438216, MedGen C4015357, MONDO:1060108, OMIM 616158, MONDO:0018580.

Submission:

Labcorp Genetics (formerly Invitae), Labcorp
Classification: Uncertain significance for PURA-related severe neonatal hypotonia-seizures-encephalopathy syndrome. Last evaluated: 2025-02-17. Review status: criteria provided, single submitter. Criteria: Invitae Variant Classification Sherloc (09022015). Collection method: clinical testing. Allele origin: germline.
Comment: This sequence change affects codon 60 of the PURA mRNA. It is a 'silent' change, meaning that it does not change the encoded amino acid sequence of the PURA protein. This variant is not present in population databases (gnomAD no frequency). This variant has not been reported in the literature in individuals affected with PURA-related conditions. ClinVar contains an entry for this variant (Variation ID: 1996636). In summary, the available evidence is currently insufficient to determine the role of this variant in disease. Therefore, it has been classified as a Variant of Uncertain Significance.

NM_005859.5(PURA):c.180G>A (p.Glu60=)

Gene: PURA (purine rich element binding protein A; plus strand). Cytogenetic location: 5q31.3.
Variant type: single nucleotide variant.
Coding change: c.180G>A on transcript NM_005859.5 (MANE Select); coding-DNA position 180, G replaced by A.
Protein change: p.Glu60=; no amino-acid change (glutamic acid 60 retained).
Molecular consequence: synonymous variant.
Genome position (GRCh38, 1-based): chr5:140,114,361, G>A. VCF-style: chr5-140114361-G-A. GRCh37 (hg19) VCF-style: chr5-139493946-G-A.
Identifiers: ClinVar variation 1996636 (VCV001996636.4), dbSNP rs2479504447, ClinGen allele CA446830769.
Genomic context (GRCh38, chr5:140,114,361, plus strand): 5'-CGGCGGCAGTGGCGGCGGCGGCGGCGGGGCCCCAGGGGGGCTGCAGCACGAGACGCAGGA[G>A]CTGGCCTCCAAGCGGGTGGACATCCAGAACAAGCGCTTCTACCTGGACGTGAAGCAGAAC-3'
Protein context (NP_005850.1, residues 50-70): APGGLQHETQ[Glu60=]LASKRVDIQN